The following is an entry in ClinVar:

NM_032119.4(ADGRV1):c.18836G>T (p.Gly6279Val)

Gene: ADGRV1 (adhesion G protein-coupled receptor V1; plus strand). Cytogenetic location: 5q14.3.
Variant type: single nucleotide variant.
Coding change: c.18836G>T on transcript NM_032119.4 (MANE Select); coding-DNA position 18836, G replaced by T.
Protein change: p.Gly6279Val; replaces glycine 6279 with valine.
Molecular consequence: missense variant. On other transcripts: non-coding transcript variant (1).
Genome position (GRCh38, 1-based): chr5:91,163,815, G>T. VCF-style: chr5-91163815-G-T. GRCh37 (hg19) VCF-style: chr5-90459632-G-T.
Other names: short protein forms G6279V.
Identifiers: ClinVar variation 957005 (VCV000957005.9), dbSNP rs1231021869, ClinGen allele CA360432909.

ClinVar aggregate classification (germline): Uncertain significance. Review status: criteria provided, multiple submitters, no conflicts (2 of 4 stars). 3 submissions from 3 submitters: Uncertain significance (3). Last evaluated 2024-06-17.

Conditions:
Inborn genetic diseases. Identifiers: MedGen C0950123, MeSH D030342.

Allele frequency attached by ClinVar (database versions not stated): TOPMed 0.00001; gnomAD 0.00002.
gnomAD v4.1: 32 of 1,599,514 alleles (0.002%); highest among the groups gnomAD compares: Non-Finnish European, 0.0026%; no homozygotes.

Submissions (3):

Ambry Genetics
Classification: Uncertain significance for Inborn genetic diseases. Last evaluated: 2024-06-17. Review status: criteria provided, single submitter. Criteria: Ambry Variant Classification Scheme 2023. Collection method: clinical testing. Allele origin: germline.

Labcorp Genetics (formerly Invitae), Labcorp
Classification: Uncertain significance. Last evaluated: 2024-03-04. Review status: criteria provided, single submitter. Criteria: Invitae Variant Classification Sherloc (09022015). Collection method: clinical testing. Allele origin: germline.
Comment: This sequence change replaces glycine, which is neutral and non-polar, with valine, which is neutral and non-polar, at codon 6279 of the ADGRV1 protein (p.Gly6279Val). This variant is not present in population databases (gnomAD no frequency). This variant has not been reported in the literature in individuals affected with ADGRV1-related conditions. ClinVar contains an entry for this variant (Variation ID: 957005). An algorithm developed to predict the effect of missense changes on protein structure and function (PolyPhen-2) suggests that this variant is likely to be disruptive. In summary, the available evidence is currently insufficient to determine the role of this variant in disease. Therefore, it has been classified as a Variant of Uncertain Significance.

Blueprint Genetics
Classification: Uncertain significance. Last evaluated: 2019-10-16. Review status: criteria provided, single submitter. Criteria: ACMG Guidelines, 2015. Collection method: clinical testing. Allele origin: germline.